The following is an entry in ClinVar:

NM_001365276.2(TNXB):c.7604C>T (p.Pro2535Leu)

Gene: TNXB (tenascin XB; minus strand). Cytogenetic location: 6p21.33.
Variant type: single nucleotide variant.
Coding change: c.7604C>T on transcript NM_001365276.2 (MANE Select); coding-DNA position 7604, C replaced by T.
Protein change: p.Pro2535Leu; replaces proline 2535 with leucine.
Molecular consequence: missense variant.
Genome position (GRCh38, 1-based): chr6:32,058,279, G>A on the plus strand (C>T on the coding strand, the complement: TNXB is on the minus strand). VCF-style: chr6-32058279-G-A. GRCh37 (hg19) VCF-style: chr6-32026056-G-A.
Other names: c.8345C>T, p.Pro2782Leu (NM_001428335.1); c.7604C>T, p.Pro2535Leu (NM_019105.8); short protein forms P2782L, P2535L.
Identifiers: ClinVar variation 3971972 (VCV003971972.1).
Genomic context (GRCh38, chr6:32,058,279, plus strand): 5'-TGCACGGTGAAGGAGTCAAAGCGGCCCTGGGGGACGGTCCAGGAAAGGCTCAGCGAGTCA[G>A]GGGAGGATCCTGTCACTGTCAGCTCCCCCAGGAGAGGCTCCTCGGGGGGCCCTGGGGCCT-3'
Protein context (NP_001352205.1, residues 2525-2545): LGELTVTGSS[Pro2535Leu]DSLSLSWTVP

ClinVar aggregate classification (germline): Uncertain significance (1 of 4 stars; one submission).

Conditions:
Cardiovascular phenotype. Identifiers: MedGen CN230736.

gnomAD v4.1: 1 of 1,612,286 alleles (0.000062%); highest among the groups gnomAD compares: East Asian, 0.0022%; no homozygotes.

Submission:

Ambry Genetics
Classification: Uncertain significance for Cardiovascular phenotype. Last evaluated: 2025-03-23. Review status: criteria provided, single submitter. Criteria: Ambry Variant Classification Scheme 2023. Collection method: clinical testing. Allele origin: germline.
Comment: The p.P2535L variant (also known as c.7604C>T), located in coding exon 21 of the TNXB gene, results from a C to T substitution at nucleotide position 7604. The proline at codon 2535 is replaced by leucine, an amino acid with similar properties. This amino acid position is conserved. In addition, this alteration is predicted to be tolerated by in silico analysis. Based on the available evidence, the clinical significance of this variant remains unclear.